The following is an entry in ClinVar:

ClinVar aggregate classification (germline): Likely benign (1 of 4 stars; one submission).

Allele frequency attached by ClinVar (database versions not stated): gnomAD exomes 0.00008; ExAC 0.00031; gnomAD 0.00068; TOPMed 0.00070; ESP Exome Variant Server 0.00095; 1000 Genomes Project 0.00132; 1000 Genomes Project 30x 0.00146.
gnomAD v4.1: 158 of 1,208,522 alleles (0.013%); highest among the groups gnomAD compares: African/African-American, 0.21%; no homozygotes.

Submission:

CeGaT Center for Human Genetics Tuebingen
Classification: Likely benign. Last evaluated: 2022-08-01. Review status: criteria provided, single submitter. Criteria: CeGaT Center For Human Genetics Tuebingen Variant Classification Criteria Version 2. Collection method: clinical testing. Allele origin: germline. Affected: yes. Observed: 1 variant allele.
Comment: CFAP47: BP4, BS2

NM_001304548.2(CFAP47):c.2608C>T (p.Arg870Trp)

Gene: CFAP47 (cilia and flagella associated protein 47; plus strand). Cytogenetic location: Xp21.1.
Variant type: single nucleotide variant.
Coding change: c.2608C>T on transcript NM_001304548.2 (MANE Select); coding-DNA position 2608, C replaced by T.
Protein change: p.Arg870Trp; replaces arginine 870 with tryptophan.
Molecular consequence: missense variant.
Genome position (GRCh38, 1-based): chrX:35,975,808, C>T. VCF-style: chrX-35975808-C-T. GRCh37 (hg19) VCF-style: chrX-35993925-C-T.
Other names: c.2608C>T, p.Arg870Trp (NM_152632.4); short protein forms R870W.
Identifiers: ClinVar variation 2660262 (VCV002660262.24), dbSNP rs141343030, ClinGen allele CA10381861.